The following is an entry in ClinVar:

ClinVar aggregate classification (germline): Uncertain significance (1 of 4 stars; one submission).

Conditions:
Hereditary breast ovarian cancer syndrome. Also called: Hereditary breast and ovarian cancer syndrome; Hereditary breast and/or ovarian cancer syndrome; Hereditary breast and ovarian cancer; Hereditary breast and ovarian cancer syndrome (HBOC); Breast and ovarian cancer; BRCA1- and BRCA2-Associated Hereditary Breast and Ovarian Cancer. Identifiers: Orphanet 145, MedGen C0677776, MeSH D061325, MONDO:0003582. Disease mechanism: loss of function.

Submission:

Labcorp Genetics (formerly Invitae), Labcorp
Classification: Uncertain significance for Hereditary breast ovarian cancer syndrome. Last evaluated: 2025-01-01. Review status: criteria provided, single submitter. Criteria: Invitae Variant Classification Sherloc (09022015). Collection method: clinical testing. Allele origin: germline.
Comment: This variant, c.448_450dup, results in the insertion of 1 amino acid(s) of the BRCA2 protein (p.His150dup), but otherwise preserves the integrity of the reading frame. This variant is not present in population databases (gnomAD no frequency). This variant has not been reported in the literature in individuals affected with BRCA2-related conditions. In summary, the available evidence is currently insufficient to determine the role of this variant in disease. Therefore, it has been classified as a Variant of Uncertain Significance.

NM_000059.4(BRCA2):c.448_450dup (p.His150_Val151insHis)

Gene: BRCA2 (BRCA2 DNA repair associated; plus strand). Cytogenetic location: 13q13.1.
Variant type: Duplication.
Coding change: c.448_450dup on transcript NM_000059.4 (MANE Select); coding-DNA positions 448 to 450, 3 bases duplicated (CAT; older notation c.448_450dupCAT).
Protein change: p.His150_Val151insHis.
Molecular consequence: non-coding transcript variant (on NR_176251.1).
Genome position (GRCh38, 1-based): chr13:32,326,123-32,326,125, CAT duplicated. VCF-style (leftmost placement, unchanged base first): chr13-32326122-A-ACAT. GRCh37 (hg19) VCF-style: chr13-32900259-A-ACAT.
Other names: c.448_450dup, p.His150_Val151insHis (NM_001406719.1, NM_001406720.1, NM_001406721.1 and 1 more transcripts); c.79_81dup, p.His27_Val28insHis (NM_001406722.1).
Identifiers: ClinVar variation 3728384 (VCV003728384.2).